The following is an entry in ClinVar:

NM_001206927.2(DNAH8):c.12451+13A>G

Genes: DNAH8 (dynein axonemal heavy chain 8; plus strand), DNAH8-AS1 (DNAH8 antisense RNA 1; minus strand). Cytogenetic location: 6p21.2.
Variant type: single nucleotide variant.
Coding change: c.12451+13A>G on transcript NM_001206927.2 (MANE Select); 13 bases into the intron after coding-DNA position 12451, A replaced by G.
Molecular consequence: intron variant.
Genome position (GRCh38, 1-based): chr6:38,951,533, A>G. VCF-style: chr6-38951533-A-G. GRCh37 (hg19) VCF-style: chr6-38919309-A-G.
Other names: c.11800+13A>G (NM_001371.4).
Identifiers: ClinVar variation 402769 (VCV000402769.16), dbSNP rs10947765, ClinGen allele CA3791338.

ClinVar aggregate classification (germline): Benign. Review status: criteria provided, multiple submitters, no conflicts (2 of 4 stars). 4 submissions from 4 submitters: Benign (4). Last evaluated 2026-02-04.

Conditions:
Primary ciliary dyskinesia. Also called: Ciliary dyskinesia. Identifiers: Orphanet 244, MedGen C0008780, MONDO:0016575, HP:0012265.

Allele frequency attached by ClinVar (database versions not stated): gnomAD exomes 0.11749 and 0.14564; ESP Exome Variant Server 0.12533; ExAC 0.13896; gnomAD 0.14048 and 0.14089; 1000 Genomes Project 0.14796; TOPMed 0.14897; 1000 Genomes Project 30x 0.15412.
gnomAD v4.1: 191,803 of 1,602,042 alleles (12%); highest among the groups gnomAD compares: Admixed American, 25%; 12,335 homozygotes.

Submissions (4):

Labcorp Genetics (formerly Invitae), Labcorp
Classification: Benign for Primary ciliary dyskinesia. Last evaluated: 2026-02-04. Review status: criteria provided, single submitter. Criteria: Invitae Variant Classification Sherloc (09022015). Collection method: clinical testing. Allele origin: germline.

Blueprint Genetics
Classification: Benign. Last evaluated: 2024-11-26. Review status: criteria provided, single submitter. Criteria: ACMG Guidelines, 2015. Collection method: clinical testing. Allele origin: germline.

GeneDx
Classification: Benign. Last evaluated: 2021-05-12. Review status: criteria provided, single submitter. Criteria: GeneDx Variant Classification Process June 2021. Collection method: clinical testing. Allele origin: germline. Affected: yes.

Laboratory for Molecular Medicine, Mass General Brigham Personalized Medicine
Classification: Benign. Last evaluated: 2016-03-28. Review status: criteria provided, single submitter. Criteria: LMM Criteria. Collection method: clinical testing. Allele origin: germline.
Comment: Variant identified in a genome or exome case(s) and assessed due to predicted null impact of the variant or pathogenic assertions in the literature or databases. Disclaimer: This variant has not undergone full assessment. The following are preliminary notes: Frequency